The following is an entry in ClinVar:

NM_033225.6(CSMD1):c.1601C>T (p.Ala534Val)

Gene: CSMD1 (CUB and Sushi multiple domains 1; minus strand). Cytogenetic location: 8p23.2.
Variant type: single nucleotide variant.
Coding change: c.1601C>T on transcript NM_033225.6 (MANE Select); coding-DNA position 1601, C replaced by T.
Protein change: p.Ala534Val; replaces alanine 534 with valine.
Molecular consequence: missense variant.
Genome position (GRCh38, 1-based): chr8:3,409,566, G>A on the plus strand (C>T on the coding strand, the complement: CSMD1 is on the minus strand). VCF-style: chr8-3409566-G-A. GRCh37 (hg19) VCF-style: chr8-3267088-G-A.
Other names: short protein forms A534V.
Identifiers: ClinVar variation 4885060 (VCV004885060.2).

ClinVar aggregate classification (germline): Uncertain significance (1 of 4 stars; one submission).

Submission:

Dasa
Classification: Uncertain significance. Last evaluated: 2025-02-18. Review status: criteria provided, single submitter. Criteria: DASA Assertion Criteria. Collection method: clinical testing. Allele origin: germline.
Comment: NM_033225.6(CSMD1):c.1601C>T (p.Ala534Val) is a missense variant that results in the substitution of alanine with valine. This variant is absent from population databases. Computational prediction algorithms are consistent with a benign effect. The currently available literature and clinical evidence are not sufficient to establish a definitive association between this variant and the reported condition. Therefore, this variant is classified as a variant of uncertain significance.